The following is an entry in ClinVar:

NM_002529.4(NTRK1):c.396G>C (p.Trp132Cys)

Gene: NTRK1 (neurotrophic receptor tyrosine kinase 1; plus strand). Cytogenetic location: 1q23.1.
Variant type: single nucleotide variant.
Coding change: c.396G>C on transcript NM_002529.4 (MANE Select); coding-DNA position 396, G replaced by C.
Protein change: p.Trp132Cys; replaces tryptophan 132 with cysteine.
Molecular consequence: missense variant.
Genome position (GRCh38, 1-based): chr1:156,866,946, G>C. VCF-style: chr1-156866946-G-C. GRCh37 (hg19) VCF-style: chr1-156836738-G-C.
Other names: c.396G>C, p.Trp132Cys (NM_001007204.1, NM_001012331.2); c.306G>C, p.Trp102Cys (NM_001007792.1); short protein forms W102C, W132C.
Identifiers: ClinVar variation 1736604 (VCV001736604.5), dbSNP rs747976486, ClinGen allele CA1168947.
Genomic context (GRCh38, chr1:156,866,946, plus strand): 5'-CTTGCTGTGTCTCCACGCCCGCAGGAATCTCTCCTTCAACGCTCTGGAGTCTCTCTCCTG[G>C]AAAACTGTGCAGGGCCTCTCCTTACAGGAACTGTGAGTGGGGGCGCTTCCAGGGGCAAGA-3'
Protein context (NP_002520.2, residues 122-142): LSFNALESLS[Trp132Cys]KTVQGLSLQE

ClinVar aggregate classification (germline): Uncertain significance. Review status: criteria provided, multiple submitters, no conflicts (2 of 4 stars). 3 submissions from 3 submitters: Uncertain significance (3). Last evaluated 2023-04-11.

Conditions:
Inborn genetic diseases. Identifiers: MedGen C0950123, MeSH D030342.
Hereditary insensitivity to pain with anhidrosis (CIPA). Also called: INSENSITIVITY TO PAIN, CONGENITAL, WITH ANHIDROSIS; hereditary sensory and autonomic neuropathy type 4; FAMILIAL DYSAUTONOMIA, TYPE II; NEUROPATHY, CONGENITAL SENSORY, WITH ANHIDROSIS; HSAN Type IV; NTRK1 Congenital Insensitivity to Pain with Anhidrosis. Identifiers: Orphanet 642, MedGen C0020074, MONDO:0009746, OMIM 256800.

Allele frequency attached by ClinVar (database versions not stated): gnomAD 0.00001.

Submissions (3):

Genome-Nilou Lab
Classification: Uncertain significance for Hereditary insensitivity to pain with anhidrosis. Last evaluated: 2023-04-11. Review status: criteria provided, single submitter. Criteria: ACMG Guidelines, 2015. Collection method: clinical testing. Allele origin: germline. Affected: no.

Labcorp Genetics (formerly Invitae), Labcorp
Classification: Uncertain significance for Hereditary insensitivity to pain with anhidrosis. Last evaluated: 2022-06-03. Review status: criteria provided, single submitter. Criteria: Invitae Variant Classification Sherloc (09022015). Collection method: clinical testing. Allele origin: germline.
Comment: This sequence change replaces tryptophan, which is neutral and slightly polar, with cysteine, which is neutral and slightly polar, at codon 132 of the NTRK1 protein (p.Trp132Cys). This variant is present in population databases (rs747976486, gnomAD 0.0009%). This variant has not been reported in the literature in individuals affected with NTRK1-related conditions. Advanced modeling of protein sequence and biophysical properties (such as structural, functional, and spatial information, amino acid conservation, physicochemical variation, residue mobility, and thermodynamic stability) performed at Invitae indicates that this missense variant is expected to disrupt NTRK1 protein function. In summary, the available evidence is currently insufficient to determine the role of this variant in disease. Therefore, it has been classified as a Variant of Uncertain Significance.

Ambry Genetics
Classification: Uncertain significance for Inborn genetic diseases. Last evaluated: 2021-06-03. Review status: criteria provided, single submitter. Criteria: Ambry Variant Classification Scheme 2023. Collection method: clinical testing. Allele origin: germline.
Comment: The p.W132C variant (also known as c.396G>C), located in coding exon 4 of the NTRK1 gene, results from a G to C substitution at nucleotide position 396. The tryptophan at codon 132 is replaced by cysteine, an amino acid with highly dissimilar properties. This amino acid position is highly conserved in available vertebrate species. In addition, this alteration is predicted to be deleterious by in silico analysis. Since supporting evidence is limited at this time, the clinical significance of this alteration remains unclear.